The following is an entry in ClinVar:

NM_002439.5(MSH3):c.1027+7T>C

Genes: MSH3 (mutS homolog 3; plus strand), LOC126807437 (MED14-independent group 3 enhancer GRCh37_chr5:79968379-79969578; plus strand). Cytogenetic location: 5q14.1.
Variant type: single nucleotide variant.
Coding change: c.1027+7T>C on transcript NM_002439.5 (MANE Select); 7 bases into the intron after coding-DNA position 1027, T replaced by C.
Molecular consequence: intron variant.
Genome position (GRCh38, 1-based): chr5:80,672,865, T>C. VCF-style: chr5-80672865-T-C. GRCh37 (hg19) VCF-style: chr5-79968684-T-C.
Identifiers: ClinVar variation 2759141 (VCV002759141.3), dbSNP rs2546723019, ClinGen allele CA2697547231.

ClinVar aggregate classification (germline): Uncertain significance (1 of 4 stars; one submission).

Submission:

Labcorp Genetics (formerly Invitae), Labcorp
Classification: Uncertain significance. Last evaluated: 2024-09-06. Review status: criteria provided, single submitter. Criteria: Invitae Variant Classification Sherloc (09022015). Collection method: clinical testing. Allele origin: germline.
Comment: This sequence change falls in intron 6 of the MSH3 gene. It does not directly change the encoded amino acid sequence of the MSH3 protein. This variant is not present in population databases (gnomAD no frequency). This variant has not been reported in the literature in individuals affected with MSH3-related conditions. Algorithms developed to predict the effect of sequence changes on RNA splicing suggest that this variant may disrupt the consensus splice site. In summary, the available evidence is currently insufficient to determine the role of this variant in disease. Therefore, it has been classified as a Variant of Uncertain Significance.